The following is an entry in ClinVar:

ClinVar aggregate classification (germline): Pathogenic (1 of 4 stars; one submission).

Conditions:
Polyglandular autoimmune syndrome, type 1 (APS1). Also called: Whitaker syndrome; Autoimmune polyendocrinopathy syndrome, type I; Autoimmune polyendocrine syndrome type 1; AUTOIMMUNE POLYENDOCRINE SYNDROME, TYPE I, WITH OR WITHOUT REVERSIBLE METAPHYSEAL DYSPLASIA; APS I; HYPOADRENOCORTICISM WITH HYPOPARATHYROIDISM AND SUPERFICIAL MONILIASIS. Identifiers: Orphanet 3453, MedGen C0085859, MONDO:0009411, OMIM 240300.

Submission:

Myriad Genetics, Inc.
Classification: Pathogenic for Polyglandular autoimmune syndrome, type 1. Last evaluated: 2023-09-27. Review status: criteria provided, single submitter. Criteria: Myriad Autosomal Dominant, Autosomal Recessive and X-Linked Classification Criteria (2023). Collection method: clinical testing. Allele origin: unknown.
Comment: NM_000383.3(AIRE):c.328dupC(R110Pfs*107) is expected to be pathogenic in the context of autoimmune polyglandular syndrome type 1. This variant is predicted to lead to an abnormal or absent protein product due to the creation of a premature termination codon in AIRE, a gene where loss-of-function variants are known to be pathogenic. Please note: this variant was assessed in the context of healthy population screening.

NM_000383.4(AIRE):c.328dup (p.Arg110fs)

Gene: AIRE (autoimmune regulator; plus strand). Cytogenetic location: 21q22.3.
Variant type: Duplication.
Coding change: c.328dup on transcript NM_000383.4 (MANE Select); coding-DNA position 328, one base duplicated (C; older notation c.328dupC).
Protein change: p.Arg110fs; shifts the reading frame from arginine 110.
Molecular consequence: frameshift variant.
Genome position (GRCh38, 1-based): chr21:44,286,998, C duplicated; the last of 4 consecutive C bases (chr21:44,286,995-44,286,998); duplicating any one gives the same sequence. VCF-style (leftmost placement, unchanged base first): chr21-44286994-G-GC. GRCh37 (hg19) VCF-style: chr21-45706877-G-GC.
Other names: short protein forms R110fs.
Identifiers: ClinVar variation 5012113 (VCV005012113.1).
Genomic context (GRCh38, chr21:44,286,994, plus strand): 5'-GAAAACCCTGAGGTTGGGACCCTGCTCCTGCCCCTGAGCTGCAGATGTGGACCTCAGCCA[G>GC]CCCCGGAAGGGGAGGAAGCCCCCGGCCGTCCCCAAGGCTTTGGTACCGCCACCCAGACTC-3'